The following is an entry in ClinVar:

NM_021930.6(RINT1):c.118A>T (p.Ser40Cys)

Gene: RINT1 (RAD50 interactor 1; plus strand). Cytogenetic location: 7q22.3.
Variant type: single nucleotide variant.
Coding change: c.118A>T on transcript NM_021930.6 (MANE Select); coding-DNA position 118, A replaced by T.
Protein change: p.Ser40Cys; replaces serine 40 with cysteine.
Molecular consequence: missense variant. On other transcripts: 5 prime UTR variant (3), non-coding transcript variant (1).
Genome position (GRCh38, 1-based): chr7:105,536,594, A>T. VCF-style: chr7-105536594-A-T. GRCh37 (hg19) VCF-style: chr7-105177041-A-T.
Other names: c.118A>T (NM_021930.5); c.21A>T, p.Glu7Asp (NM_001346599.2); c.-902A>T (NM_001346600.2); c.-805A>T (NM_001346601.2); c.-425A>T (NM_001346603.2); short protein forms S40C, E7D.
Identifiers: ClinVar variation 403377 (VCV000403377.20), dbSNP rs11556986, ClinGen allele CA4426354.
Genomic context (GRCh38, chr7:105,536,594, plus strand): 5'-GCGTTGAGTAATTGTTATTCTTTTGTTGTAGGTGACATAAATGTTACAGTTCTTATTGGA[A>T]GTAAACAAGTCAGTGAAGGTACAGATAATGGTGATCTCCCTTCTTATGTGTCTGCATTCA-3'
Protein context (NP_068749.3, residues 30-50): SDINVTVLIG[Ser40Cys]KQVSEGTDNG

ClinVar aggregate classification (germline): Benign. Review status: criteria provided, multiple submitters, no conflicts (2 of 4 stars). 6 submissions from 6 submitters: Benign (5). 1 of the submissions does not count toward it. Last evaluated 2026-02-03.

Conditions:
RINT1-related disorder. Also called: RINT1-related condition.
Infantile liver failure syndrome 3. Identifiers: MedGen C5231437, MONDO:0032844, OMIM 618641.

Allele frequency attached by ClinVar (database versions not stated): gnomAD exomes 0.18760; ExAC 0.18912; 1000 Genomes Project 0.19149; 1000 Genomes Project 30x 0.19472; gnomAD 0.19903 and 0.19936; TOPMed 0.19932; ESP Exome Variant Server 0.20491.

Submissions (6):

Labcorp Genetics (formerly Invitae), Labcorp
Classification: Benign. Last evaluated: 2026-02-03. Review status: criteria provided, single submitter. Criteria: Invitae Variant Classification Sherloc (09022015). Collection method: clinical testing. Allele origin: germline.

Genome-Nilou Lab
Classification: Benign for Infantile liver failure syndrome 3. Last evaluated: 2021-11-07. Review status: criteria provided, single submitter. Criteria: ACMG Guidelines, 2015. Collection method: clinical testing. Allele origin: germline. Affected: no.

Ambry Genetics
Classification: Benign. Last evaluated: 2020-07-30. Review status: criteria provided, single submitter. Criteria: Ambry Variant Classification Scheme 2023. Collection method: clinical testing. Allele origin: germline.

Laboratory for Molecular Medicine, Mass General Brigham Personalized Medicine
Classification: Benign. Last evaluated: 2016-03-29. Review status: criteria provided, single submitter. Criteria: LMM Criteria. Collection method: clinical testing. Allele origin: germline.
Comment: Variant identified in a genome or exome case(s) and assessed due to predicted null impact of the variant or pathogenic assertions in the literature or databases. Disclaimer: This variant has not undergone full assessment. The following are preliminary notes: Frequency

Breakthrough Genomics
Classification: Benign. Review status: criteria provided, single submitter. Criteria: ACMG Guidelines, 2015. Collection method: not provided. Allele origin: germline. Inheritance: Autosomal recessive inheritance. Affected: yes.

PreventionGenetics, part of Exact Sciences
Classification: Benign for RINT1-related condition. Last evaluated: 2024-04-02. Review status: no assertion criteria provided. Collection method: clinical testing. Allele origin: germline. Not counted in ClinVar's aggregate classification.
Comment: This variant is classified as benign based on ACMG/AMP sequence variant interpretation guidelines (Richards et al. 2015 PMID: 25741868, with internal and published modifications).